The following is an entry in ClinVar:

ClinVar aggregate classification (germline): Likely benign. Review status: criteria provided, multiple submitters, no conflicts (2 of 4 stars). 4 submissions from 4 submitters: Likely benign (4). Last evaluated 2025-11-23.

Conditions:
Inborn genetic diseases. Identifiers: MedGen C0950123, MeSH D030342.
DOCK2 deficiency. Also called: Immunodeficiency 40. Identifiers: Orphanet 447737, MedGen C4225328, MONDO:0014637, OMIM 616433.

Allele frequency attached by ClinVar (database versions not stated): ExAC 0.00009; gnomAD exomes 0.00010; gnomAD 0.00032 and 0.00033; TOPMed 0.00036; 1000 Genomes Project 0.00060; ESP Exome Variant Server 0.00062; 1000 Genomes Project 30x 0.00078.
gnomAD v4.1: 140 of 1,613,944 alleles (0.0087%); highest among the groups gnomAD compares: African/African-American, 0.14%; no homozygotes.

Submissions (4):

Labcorp Genetics (formerly Invitae), Labcorp
Classification: Likely benign for DOCK2 deficiency. Last evaluated: 2025-11-23. Review status: criteria provided, single submitter. Criteria: Invitae Variant Classification Sherloc (09022015). Collection method: clinical testing. Allele origin: germline.

Blueprint Genetics
Classification: Likely benign. Last evaluated: 2024-09-13. Review status: criteria provided, single submitter. Criteria: ACMG Guidelines, 2015. Collection method: clinical testing. Allele origin: germline.

Ambry Genetics
Classification: Likely benign for Inborn genetic diseases. Last evaluated: 2024-02-27. Review status: criteria provided, single submitter. Criteria: Ambry Variant Classification Scheme 2023. Collection method: clinical testing. Allele origin: germline.

CeGaT Center for Human Genetics Tuebingen
Classification: Likely benign. Last evaluated: 2022-05-01. Review status: criteria provided, single submitter. Criteria: CeGaT Center For Human Genetics Tuebingen Variant Classification Criteria Version 2. Collection method: clinical testing. Allele origin: germline. Affected: yes. Observed: 1 variant allele.
Comment: DOCK2: BP4, BP7

NM_004946.3(DOCK2):c.1215C>T (p.Thr405=)

Gene: DOCK2 (dedicator of cytokinesis 2; plus strand). Cytogenetic location: 5q35.1.
Variant type: single nucleotide variant.
Coding change: c.1215C>T on transcript NM_004946.3 (MANE Select); coding-DNA position 1215, C replaced by T.
Protein change: p.Thr405=; no amino-acid change (threonine 405 retained).
Molecular consequence: synonymous variant. On other transcripts: non-coding transcript variant (1).
Genome position (GRCh38, 1-based): chr5:169,700,096, C>T. VCF-style: chr5-169700096-C-T. GRCh37 (hg19) VCF-style: chr5-169127100-C-T.
Other names: c.1215C>T, p.Thr405= (LRG_1227t1).
Identifiers: ClinVar variation 542621 (VCV000542621.37), dbSNP rs141406325, ClinGen allele CA3553398.
Genomic context (GRCh38, chr5:169,700,096, plus strand): 5'-GCTGGTGGGTGACATCATTCAGATTCGCAAGGACTATCCACACCTGGTGGACAGGACCAC[C>T]GTGGTGGCCAGGAAGCTGGGATTCCCAGAGATCATCATGCCAGGTGAGACACAGCTGCTC-3'
Protein context (NP_004937.1, residues 395-415): KDYPHLVDRT[Thr405=]VVARKLGFPE